The following is an entry in ClinVar:

NC_000019.9:g.(42830583_42837756)_(42838366_42839186)del

Gene: MEGF8 (multiple EGF like domains 8; plus strand). Cytogenetic location: 19q13.2.
Variant type: Deletion.
Identifiers: ClinVar variation 2501122 (VCV002501122.1).

ClinVar aggregate classification (germline): Likely pathogenic (1 of 4 stars; one submission).

Conditions:
Carpenter syndrome. Identifiers: Orphanet 65759, MedGen C1275078, MONDO:0019012.

Submission:

Women's Health and Genetics/Laboratory Corporation of America, LabCorp
Classification: Likely pathogenic for Carpenter syndrome. Last evaluated: 2023-03-22. Review status: criteria provided, single submitter. Criteria: LabCorp Variant Classification Summary - May 2015. Collection method: clinical testing. Allele origin: germline.
Comment: Variant summary: The variant identified by MLPA or other technology involves the deletion of exons 2-3 in the MEGF8 gene. A presumed nomenclature of c.(187+1_188-1)_(558+1_559-1)del has been designated for the purposes of this classification. Although exact breakpoints of this deletion are not known, it is expected to result in a frameshift in the MEGF8 gene, a known mechanism of disease. The variant was absent in 21694 control chromosomes in the gnomAD database, structural variants dataset. To our knowledge, no occurrence of c.(187+1_188-1)_(558+1_559-1)del in individuals affected with Carpenter Syndrome - Type 2 and no experimental evidence demonstrating its impact on protein function have been reported. No submitters have provided clinical-significance assessments for this variant to ClinVar after 2014. Based on the evidence outlined above, the variant was classified as likely pathogenic.